The following is an entry in ClinVar:

NM_002439.5(MSH3):c.860C>A (p.Thr287Asn)

Gene: MSH3 (mutS homolog 3; plus strand). Cytogenetic location: 5q14.1.
Variant type: single nucleotide variant.
Coding change: c.860C>A on transcript NM_002439.5 (MANE Select); coding-DNA position 860, C replaced by A.
Protein change: p.Thr287Asn; replaces threonine 287 with asparagine.
Molecular consequence: missense variant.
Genome position (GRCh38, 1-based): chr5:80,672,311, C>A. VCF-style: chr5-80672311-C-A. GRCh37 (hg19) VCF-style: chr5-79968130-C-A.
Other names: short protein forms T287N.
Identifiers: ClinVar variation 4824380 (VCV004824380.1).

ClinVar aggregate classification (germline): Uncertain significance (1 of 4 stars; one submission).

Conditions:
Hereditary cancer-predisposing syndrome. Also called: Neoplastic Syndromes, Hereditary; Hereditary neoplastic syndrome; Tumor predisposition; Hereditary Cancer Syndrome. Identifiers: Orphanet 140162, MedGen C0027672, MeSH D009386, MONDO:0015356.

Submission:

Ambry Genetics
Classification: Uncertain significance for Hereditary cancer-predisposing syndrome. Last evaluated: 2026-02-11. Review status: criteria provided, single submitter. Criteria: Ambry Variant Classification Scheme 2023. Collection method: clinical testing. Allele origin: germline.
Comment: The p.T287N variant (also known as c.860C>A), located in coding exon 5 of the MSH3 gene, results from a C to A substitution at nucleotide position 860. The threonine at codon 287 is replaced by asparagine, an amino acid with similar properties. This amino acid position is well conserved in available vertebrate species. In addition, the in silico prediction for this alteration is inconclusive. Based on the available evidence, the clinical significance of this variant remains unclear.